The following is an entry in ClinVar:

ClinVar aggregate classification (germline): Conflicting classifications of pathogenicity. Review status: criteria provided, conflicting classifications (1 of 4 stars). 3 submissions from 3 submitters: Likely pathogenic (1); Uncertain significance (1). 1 of the submissions does not count toward it. Last evaluated 2026-01-28.

Conditions:
Deficiency of UDPglucose-hexose-1-phosphate uridylyltransferase. Also called: GALT deficiency; Galactosemia, classic; Transferase Deficiency Galactosemia; GALACTOSEMIA I; GALACTOSE-1-PHOSPHATE URIDYLYLTRANSFERASE DEFICIENCY. Identifiers: Orphanet 352, Orphanet 79239, MedGen C0268151, MONDO:0009258, OMIM 230400.
Galactosemia. Also called: Galactose intolerance. Identifiers: Orphanet 352, MedGen C0016952, MONDO:0018116, HP:0004919. Disease mechanism: loss of function.

Allele frequency attached by ClinVar (database versions not stated): gnomAD exomes below 0.00001; ExAC 0.00001.

Submissions (3):

Labcorp Genetics (formerly Invitae), Labcorp
Classification: Likely pathogenic for Deficiency of UDPglucose-hexose-1-phosphate uridylyltransferase. Last evaluated: 2026-01-28. Review status: criteria provided, single submitter. Criteria: Invitae Variant Classification Sherloc (09022015). Collection method: clinical testing. Allele origin: germline.
Comment: This sequence change replaces threonine, which is neutral and polar, with asparagine, which is neutral and polar, at codon 350 of the GALT protein (p.Thr350Asn). This variant is present in population databases (rs775317639, gnomAD 0.003%). This variant has not been reported in the literature in individuals affected with GALT-related conditions. ClinVar contains an entry for this variant (Variation ID: 811444). Invitae Evidence Modeling of protein sequence and biophysical properties (such as structural, functional, and spatial information, amino acid conservation, physicochemical variation, residue mobility, and thermodynamic stability) indicates that this missense variant is expected to disrupt GALT protein function with a positive predictive value of 95%. This variant disrupts the p.Thr350 amino acid residue in GALT. Other variant(s) that disrupt this residue have been determined to be pathogenic (PMID: 8741038, 11152465). This suggests that this residue is clinically significant, and that variants that disrupt this residue are likely to be disease-causing. In summary, the currently available evidence indicates that the variant is pathogenic, but additional data are needed to prove that conclusively. Therefore, this variant has been classified as Likely Pathogenic.

ARUP Laboratories, Molecular Genetics and Genomics, ARUP Laboratories
Classification: Uncertain significance for Deficiency of UDPglucose-hexose-1-phosphate uridylyltransferase. Last evaluated: 2019-05-16. Review status: criteria provided, single submitter. Criteria: ARUP Molecular Germline Variant Investigation Process. Collection method: clinical testing. Allele origin: germline.
Comment: The GALT c.1049C>A; p.Thr350Asn variant (rs775317639), to our knowledge, is not reported in the medical literature or gene-specific databases. This variant is found on a single chromosome (1/246224 alleles) in the Genome Aggregation Database, indicating it is not a common polymorphism. The threonine at codon 350 is highly conserved, and computational analyses (SIFT, PolyPhen-2) predict that this variant is deleterious. Additionally, another amino acid substitution at this codon (p.Thr350Ala) has been reported in an individual with galactosemia, exhibits decreased enzymatic activity, and is considered disease-causing (Riehman 2002, Shin 1996). However, given the lack of clinical and functional data, the significance of the p.Thr350Asn variant is uncertain at this time. References: Riehman K et al. Relationship between genotype, activity, and galactose sensitivity in yeast expressing patient alleles of human galactose-1-phosphate uridylyltransferase. J Biol Chem. 2001 Apr 6;276(14):10634-40. Shin YS et al. Three missense mutations in the galactose-1-phosphate uridyltransferase gene of three families with mild galactosaemia. Eur J Pediatr. 1996 May;155(5):393-7.

Natera, Inc.
Classification: Uncertain significance for Galactosemia. Last evaluated: 2021-03-19. Review status: no assertion criteria provided. Collection method: clinical testing. Allele origin: germline. Not counted in ClinVar's aggregate classification.

Literature cited by the submitters: PubMed 8741038 (cited by Labcorp Genetics (formerly Invitae), Labcorp); PubMed 11152465 (cited by Labcorp Genetics (formerly Invitae), Labcorp).

NM_000155.4(GALT):c.1049C>A (p.Thr350Asn)

Gene: GALT (galactose-1-phosphate uridylyltransferase; plus strand). Cytogenetic location: 9p13.3.
Variant type: single nucleotide variant.
Coding change: c.1049C>A on transcript NM_000155.4 (MANE Select); coding-DNA position 1049, C replaced by A.
Protein change: p.Thr350Asn; replaces threonine 350 with asparagine.
Molecular consequence: missense variant.
Genome position (GRCh38, 1-based): chr9:34,649,554, C>A. VCF-style: chr9-34649554-C-A. GRCh37 (hg19) VCF-style: chr9-34649551-C-A.
Other names: c.722C>A, p.Thr241Asn (NM_001258332.2); short protein forms T241N, T350N.
Identifiers: ClinVar variation 811444 (VCV000811444.17), dbSNP rs775317639, ClinGen allele CA5036276.